The following is an entry in ClinVar:

ClinVar aggregate classification (germline): Pathogenic. Review status: criteria provided, multiple submitters, no conflicts (2 of 4 stars). 4 submissions from 3 submitters: Pathogenic (4). Last evaluated 2024-11-07.

Conditions:
Hereditary cancer-predisposing syndrome. Also called: Tumor predisposition; Hereditary Cancer Syndrome; Neoplastic Syndromes, Hereditary; Hereditary neoplastic syndrome. Identifiers: Orphanet 140162, MedGen C0027672, MeSH D009386, MONDO:0015356.
Familial cancer of breast. Also called: Hereditary breast cancer; BREAST CANCER, FAMILIAL; hereditary breast carcinoma. Identifiers: Orphanet 227535, MedGen C0346153, MONDO:0016419, OMIM 114480. Disease mechanism: loss of function.
Fanconi anemia complementation group J. Also called: BRIP1-Related Fanconi Anemia. Identifiers: Orphanet 84, MedGen C1836860, MONDO:0012187, OMIM 609054.

Submissions (4):

Ambry Genetics
Classification: Pathogenic for Hereditary cancer-predisposing syndrome. Last evaluated: 2024-11-07. Review status: criteria provided, single submitter. Criteria: Ambry Variant Classification Scheme 2023. Collection method: clinical testing. Allele origin: germline.
Comment: The c.866delT pathogenic mutation, located in coding exon 6 of the BRIP1 gene, results from a deletion of one nucleotide at nucleotide position 866, causing a translational frameshift with a predicted alternate stop codon (p.V289Afs*14). This variant is considered to be rare based on population cohorts in the Genome Aggregation Database (gnomAD). This alteration is expected to result in loss of function by premature protein truncation or nonsense-mediated mRNA decay. As such, this alteration is interpreted as a disease-causing mutation.

Myriad Genetics, Inc.
Classification: Pathogenic for Familial cancer of breast. Last evaluated: 2023-06-01. Review status: criteria provided, single submitter. Criteria: Myriad Autosomal Dominant, Autosomal Recessive and X-Linked Classification Criteria (2023). Collection method: clinical testing. Allele origin: unknown.
Comment: This variant is considered pathogenic. This variant creates a frameshift predicted to result in premature protein truncation.

Labcorp Genetics (formerly Invitae), Labcorp
Classification: Pathogenic for Familial cancer of breast. Last evaluated: 2015-07-22. Review status: criteria provided, single submitter. Criteria: Invitae Variant Classification Sherloc (09022015). Collection method: clinical testing. Allele origin: germline.
Comment: This sequence change deletes 1 nucleotide in exon 7 of the BRIP1 mRNA (c.866delT), causing a frameshift at codon 289. This creates a premature translational stop signal (p.Val289Alafs*14) and is expected to result in an absent or disrupted protein product. While this particular sequence change has not been reported in the literature, truncating sequence changes in BRIP1 are known to be pathogenic (PMID: 16116423, 17033622, 21964575). For these reasons, this variant has been classified as Pathogenic.

Labcorp Genetics (formerly Invitae), Labcorp
Classification: Pathogenic for Familial cancer of breast; Fanconi anemia complementation group J. Last evaluated: 2015-07-22. Review status: criteria provided, single submitter. Criteria: Invitae Variant Classification Sherloc (09022015). Collection method: clinical testing. Allele origin: germline.
Comment: the same text as in the submission from Labcorp Genetics (formerly Invitae), Labcorp above.

Literature cited by the submitters: PubMed 16116423 (cited by Labcorp Genetics (formerly Invitae), Labcorp); PubMed 17033622 (cited by Labcorp Genetics (formerly Invitae), Labcorp); PubMed 21964575 (cited by Labcorp Genetics (formerly Invitae), Labcorp).

NM_032043.3(BRIP1):c.866del (p.Val289fs)

Gene: BRIP1 (BRCA1 interacting DNA helicase 1; minus strand). Cytogenetic location: 17q23.2.
Variant type: Deletion.
Coding change: c.866del on transcript NM_032043.3 (MANE Select); coding-DNA position 866, one base deleted (T; older notation c.866delT).
Protein change: p.Val289fs; shifts the reading frame from valine 289.
Molecular consequence: frameshift variant.
Genome position (GRCh38, 1-based): chr17:61,808,519, A deleted on the plus strand (T on the coding strand, the reverse complement: BRIP1 is on the minus strand). VCF-style (leftmost placement, unchanged base first): chr17-61808518-GA-G. GRCh37 (hg19) VCF-style: chr17-59885879-GA-G.
Other names: c.866delT (NM_032043.2); short protein forms V289fs.
Identifiers: ClinVar variation 219582 (VCV000219582.13), dbSNP rs864622166, ClinGen allele CA349712.
Genomic context (GRCh38, chr17:61,808,518, plus strand): 5'-TTTACTCACGTTTTTCCCATCTAGCAATTCCATGCACTTCTCATTTCTGTTGAAGTTACC[GA>G]CTACCTCAGGATGGACACAAGTATGATCCCTGCTGGAAAGAATAGTCATTGGAACCCCTG-3'